The following is an entry in ClinVar:

ClinVar aggregate classification (germline): Uncertain significance (1 of 4 stars; one submission).

Conditions:
Cone-rod dystrophy 6 (CORD6). Also called: RETINAL CONE DYSTROPHY 2; Cone dystrophy progressive. Identifiers: Orphanet 1872, MedGen C1866293, MONDO:0011143, OMIM 601777.
Leber congenital amaurosis 1 (LCA1). Also called: AMAUROSIS CONGENITA OF LEBER I; Congenital absence of the rods and cones; Leber's congenital tapetoretinal degeneration; Leber's congenital tapetoretinal dysplasia; RETINAL BLINDNESS, CONGENITAL. Identifiers: Orphanet 65, MedGen C2931258, MONDO:0008764, OMIM 204000.

Submission:

Labcorp Genetics (formerly Invitae), Labcorp
Classification: Uncertain significance for Leber congenital amaurosis 1; Cone-rod dystrophy 6. Last evaluated: 2022-09-14. Review status: criteria provided, single submitter. Criteria: Invitae Variant Classification Sherloc (09022015). Collection method: clinical testing. Allele origin: germline.
Comment: This sequence change replaces proline, which is neutral and non-polar, with arginine, which is basic and polar, at codon 47 of the GUCY2D protein (p.Pro47Arg). This variant is not present in population databases (gnomAD no frequency). This variant has not been reported in the literature in individuals affected with GUCY2D-related conditions. Advanced modeling of protein sequence and biophysical properties (such as structural, functional, and spatial information, amino acid conservation, physicochemical variation, residue mobility, and thermodynamic stability) performed at Invitae indicates that this missense variant is not expected to disrupt GUCY2D protein function. In summary, the available evidence is currently insufficient to determine the role of this variant in disease. Therefore, it has been classified as a Variant of Uncertain Significance.

NM_000180.4(GUCY2D):c.140C>G (p.Pro47Arg)

Gene: GUCY2D (guanylate cyclase 2D, retinal; plus strand). Cytogenetic location: 17p13.1.
Variant type: single nucleotide variant.
Coding change: c.140C>G on transcript NM_000180.4 (MANE Select); coding-DNA position 140, C replaced by G.
Protein change: p.Pro47Arg; replaces proline 47 with arginine.
Molecular consequence: missense variant.
Genome position (GRCh38, 1-based): chr17:8,003,187, C>G. VCF-style: chr17-8003187-C-G. GRCh37 (hg19) VCF-style: chr17-7906505-C-G.
Other names: short protein forms P47R.
Identifiers: ClinVar variation 1719460 (VCV001719460.5), dbSNP rs1014118881, ClinGen allele CA397942828.